The following is an entry in ClinVar:

ClinVar aggregate classification (germline): Uncertain significance (1 of 4 stars; one submission).

Submission:

Labcorp Genetics (formerly Invitae), Labcorp
Classification: Uncertain significance. Last evaluated: 2025-02-25. Review status: criteria provided, single submitter. Criteria: Invitae Variant Classification Sherloc (09022015). Collection method: clinical testing. Allele origin: germline.
Comment: This sequence change replaces proline, which is neutral and non-polar, with threonine, which is neutral and polar, at codon 228 of the ALPK1 protein (p.Pro228Thr). This variant is not present in population databases (gnomAD no frequency). This variant has not been reported in the literature in individuals affected with ALPK1-related conditions. Invitae Evidence Modeling of protein sequence and biophysical properties (such as structural, functional, and spatial information, amino acid conservation, physicochemical variation, residue mobility, and thermodynamic stability) indicates that this missense variant is expected to disrupt ALPK1 protein function with a positive predictive value of 80%. In summary, the available evidence is currently insufficient to determine the role of this variant in disease. Therefore, it has been classified as a Variant of Uncertain Significance.

NM_025144.4(ALPK1):c.682C>A (p.Pro228Thr)

Gene: ALPK1 (alpha kinase 1; plus strand). Cytogenetic location: 4q25.
Variant type: single nucleotide variant.
Coding change: c.682C>A on transcript NM_025144.4 (MANE Select); coding-DNA position 682, C replaced by A.
Protein change: p.Pro228Thr; replaces proline 228 with threonine.
Molecular consequence: missense variant.
Genome position (GRCh38, 1-based): chr4:112,426,526, C>A. VCF-style: chr4-112426526-C-A. GRCh37 (hg19) VCF-style: chr4-113347682-C-A.
Other names: c.682C>A, p.Pro228Thr (NM_001102406.2); c.448C>A, p.Pro150Thr (NM_001253884.2); short protein forms P228T, P150T.
Identifiers: ClinVar variation 4698175 (VCV004698175.1).